The following is an entry in ClinVar:

NM_007294.4(BRCA1):c.2253G>A (p.Met751Ile)

Gene: BRCA1 (BRCA1 DNA repair associated; minus strand). Cytogenetic location: 17q21.31.
Variant type: single nucleotide variant.
Coding change: c.2253G>A on transcript NM_007294.4 (MANE Select); coding-DNA position 2253, G replaced by A.
Protein change: p.Met751Ile; replaces methionine 751 with isoleucine.
Molecular consequence: missense variant. On other transcripts: intron variant (137).
Genome position (GRCh38, 1-based): chr17:43,093,278, C>T on the plus strand (G>A on the coding strand, the complement: BRCA1 is on the minus strand). VCF-style: chr17-43093278-C-T. GRCh37 (hg19) VCF-style: chr17-41245295-C-T.
Other names: c.2112G>A, p.Met704Ile (NM_001407734.1, NM_001407735.1, NM_001407736.1 and 29 more transcripts); c.2109G>A, p.Met703Ile (NM_001407740.1, NM_001407741.1, NM_001407742.1 and 20 more transcripts); c.2130G>A, p.Met710Ile (NM_001407683.1, NM_001407863.1, NM_001407919.1 and 19 more transcripts); c.2253G>A, p.Met751Ile (NM_001407684.1, NM_001407854.1, NM_001407858.1 and 30 more transcripts); c.2127G>A, p.Met709Ile (NM_001407685.1, NM_001407686.1, NM_001407687.1 and 11 more transcripts); c.2040G>A, p.Met680Ile (NM_001407853.1, NM_001407894.1, NM_001407895.1 and 9 more transcripts); c.2250G>A, p.Met750Ile (NM_001407860.1, NM_001407861.1, NM_001407587.1 and 22 more transcripts); c.2052G>A, p.Met684Ile (NM_001407862.1); and 41 more; short protein forms M623I, M640I, M683I, M684I, M724I, M725I, M751I, M624I.
Identifiers: ClinVar variation 4625747 (VCV004625747.2).
Genomic context (GRCh38, chr17:43,093,278, plus strand): 5'-CAATGAAATACTGCTACTCTCTACAGATCTTTCAGTTTGCAAAACCCTTTCTCCACTTAA[C>T]ATGAGATCTTTGGGGTCTTCAGCATTATTAGACACTTTAACTGTTTCTAGTTTCTCTTCT-3'
Protein context (NP_009225.1, residues 741-761): SNNAEDPKDL[Met751Ile]LSGERVLQTE

ClinVar aggregate classification (germline): Conflicting classifications of pathogenicity. Review status: criteria provided, conflicting classifications (1 of 4 stars). 2 submissions from 2 submitters: Uncertain significance (1); Likely benign (1). Last evaluated 2025-12-10.

Conditions:
Hereditary breast ovarian cancer syndrome. Also called: BRCA1- and BRCA2-Associated Hereditary Breast and Ovarian Cancer; Hereditary breast and ovarian cancer syndrome; Hereditary breast and ovarian cancer; Breast and ovarian cancer; Hereditary breast and/or ovarian cancer syndrome; Hereditary breast and ovarian cancer syndrome (HBOC). Identifiers: Orphanet 145, MedGen C0677776, MeSH D061325, MONDO:0003582. Disease mechanism: loss of function.
Hereditary cancer-predisposing syndrome. Also called: Neoplastic Syndromes, Hereditary; Tumor predisposition; Hereditary Cancer Syndrome; Hereditary neoplastic syndrome. Identifiers: Orphanet 140162, MedGen C0027672, MeSH D009386, MONDO:0015356.

Submissions (2):

Ambry Genetics
Classification: Likely benign for Hereditary cancer-predisposing syndrome. Last evaluated: 2025-12-10. Review status: criteria provided, single submitter. Criteria: Ambry Variant Classification Scheme 2023. Collection method: clinical testing. Allele origin: germline.

Labcorp Genetics (formerly Invitae), Labcorp
Classification: Uncertain significance for Hereditary breast ovarian cancer syndrome. Last evaluated: 2025-04-29. Review status: criteria provided, single submitter. Criteria: Invitae Variant Classification Sherloc (09022015). Collection method: clinical testing. Allele origin: germline.
Comment: This sequence change replaces methionine, which is neutral and non-polar, with isoleucine, which is neutral and non-polar, at codon 751 of the BRCA1 protein (p.Met751Ile). This variant is not present in population databases (gnomAD no frequency). This variant has not been reported in the literature in individuals affected with BRCA1-related conditions. Invitae Evidence Modeling of protein sequence and biophysical properties (such as structural, functional, and spatial information, amino acid conservation, physicochemical variation, residue mobility, and thermodynamic stability) indicates that this missense variant is not expected to disrupt BRCA1 protein function with a negative predictive value of 80%. In summary, the available evidence is currently insufficient to determine the role of this variant in disease. Therefore, it has been classified as a Variant of Uncertain Significance.